The following is an entry in ClinVar:

NM_004982.4(KCNJ8):c.1216A>T (p.Met406Leu)

Genes: KCNJ8 (potassium inwardly rectifying channel subfamily J member 8; minus strand), KCNJ8-AS1 (KCNJ8 antisense RNA 1; plus strand). Cytogenetic location: 12p12.1.
Variant type: single nucleotide variant.
Coding change: c.1216A>T on transcript NM_004982.4 (MANE Select); coding-DNA position 1216, A replaced by T.
Protein change: p.Met406Leu; replaces methionine 406 with leucine.
Molecular consequence: missense variant.
Genome position (GRCh38, 1-based): chr12:21,765,782, T>A on the plus strand (A>T on the coding strand, the complement: KCNJ8 is on the minus strand). VCF-style: chr12-21765782-T-A. GRCh37 (hg19) VCF-style: chr12-21918716-T-A.
Other names: short protein forms M406L.
Identifiers: ClinVar variation 4801156 (VCV004801156.1).

ClinVar aggregate classification (germline): Uncertain significance (1 of 4 stars; one submission).

Conditions:
Brugada syndrome. Also called: Sudden unexpected nocturnal death syndrome; Sudden unexplained nocturnal death syndrome; Sudden Unexplained Death Syndrome; Sudden Unexplained Nocturnal Death Syndrome (SUNDS). Identifiers: Orphanet 130, MedGen C1142166, MONDO:0015263.

Submission:

Labcorp Genetics (formerly Invitae), Labcorp
Classification: Uncertain significance for Brugada syndrome. Last evaluated: 2025-11-11. Review status: criteria provided, single submitter. Criteria: Invitae Variant Classification Sherloc (09022015). Collection method: clinical testing. Allele origin: germline.
Comment: This sequence change replaces methionine, which is neutral and non-polar, with leucine, which is neutral and non-polar, at codon 406 of the KCNJ8 protein (p.Met406Leu). This variant is not present in population databases (gnomAD no frequency). This variant has not been reported in the literature in individuals affected with KCNJ8-related conditions. Invitae Evidence Modeling of protein sequence and biophysical properties (such as structural, functional, and spatial information, amino acid conservation, physicochemical variation, residue mobility, and thermodynamic stability) indicates that this missense variant is not expected to disrupt KCNJ8 protein function with a negative predictive value of 95%. In summary, the available evidence is currently insufficient to determine the role of this variant in disease. Therefore, it has been classified as a Variant of Uncertain Significance.